The following is an entry in ClinVar:

ClinVar aggregate classification (germline): Likely pathogenic (1 of 4 stars; one submission).

Conditions:
RYR1-related disorder. Also called: RYR1-related condition; RYR1-related disorders. Identifiers: MedGen CN239331.

Submission:

Labcorp Genetics (formerly Invitae), Labcorp
Classification: Likely pathogenic for RYR1-related disorder. Last evaluated: 2019-04-15. Review status: criteria provided, single submitter. Criteria: Invitae Variant Classification Sherloc (09022015). Collection method: clinical testing. Allele origin: germline.
Comment: This sequence change replaces arginine with leucine at codon 1645 of the RYR1 protein (p.Arg1645Leu). The arginine residue is moderately conserved and there is a moderate physicochemical difference between arginine and leucine. This variant also falls at the last nucleotide of exon 33 of the RYR1 coding sequence, which is part of the consensus splice site for this exon. The frequency data for this variant in the population databases is considered unreliable, as metrics indicate insufficient coverage at this position in the ExAC database. This finding is consistent with autosomal recessive inheritance, and suggests that this variant contributes to disease. A different variant affecting this nucleotide (c.4934G>A) has been reported to cause a splicing defect in an individual affected with autosomal recessive congenital myopathy (PMID: 18253926). This suggests that this nucleotide may be important for normal RNA splicing. Algorithms developed to predict the effect of missense changes on protein structure and function do not agree on the potential impact of this missense change (SIFT: "Deleterious"; PolyPhen-2: "Possibly Damaging"; Align-GVGD: "Class C0"). Nucleotide substitutions within the consensus splice site are a relatively common cause of aberrant splicing (PMID: 17576681, 9536098). Algorithms developed to predict the effect of sequence changes on RNA splicing suggest that this variant may disrupt the consensus splice site, but this prediction has not been confirmed by published transcriptional studies. In summary, the currently available evidence indicates that the variant is pathogenic, but additional data are needed to prove that conclusively. Therefore, this variant has been classified as Likely Pathogenic.

Literature cited by the submitters: PubMed 18253926; PubMed 17576681; PubMed 9536098.

NM_000540.3(RYR1):c.4934G>T (p.Arg1645Leu)

Gene: RYR1 (ryanodine receptor 1; plus strand). Cytogenetic location: 19q13.2.
Variant type: single nucleotide variant.
Coding change: c.4934G>T on transcript NM_000540.3 (MANE Select); coding-DNA position 4934, G replaced by T.
Protein change: p.Arg1645Leu; replaces arginine 1645 with leucine.
Molecular consequence: missense variant.
Genome position (GRCh38, 1-based): chr19:38,483,516, G>T. VCF-style: chr19-38483516-G-T. GRCh37 (hg19) VCF-style: chr19-38974156-G-T.
Other names: c.4934G>T, p.Arg1645Leu (NM_001042723.2); short protein forms R1645L.
Identifiers: ClinVar variation 478234 (VCV000478234.11), dbSNP rs193922778, ClinGen allele CA405651125.